The following is an entry in ClinVar:

NM_000138.5(FBN1):c.3848A>T (p.Glu1283Val)

Gene: FBN1 (fibrillin 1; minus strand). Cytogenetic location: 15q21.1.
Variant type: single nucleotide variant.
Coding change: c.3848A>T on transcript NM_000138.5 (MANE Select); coding-DNA position 3848, A replaced by T.
Protein change: p.Glu1283Val; replaces glutamic acid 1283 with valine.
Molecular consequence: missense variant.
Genome position (GRCh38, 1-based): chr15:48,481,771, T>A on the plus strand (A>T on the coding strand, the complement: FBN1 is on the minus strand). VCF-style: chr15-48481771-T-A. GRCh37 (hg19) VCF-style: chr15-48773968-T-A.
Other names: short protein forms E1283V.
Identifiers: ClinVar variation 567633 (VCV000567633.10), dbSNP rs397515796, ClinGen allele CA392322582.

ClinVar aggregate classification (germline): Uncertain significance (1 of 4 stars; one submission).

Conditions:
Familial thoracic aortic aneurysm and aortic dissection (TAAD). Also called: Thoracic aortic aneurysms and dissections. Identifiers: Orphanet 91387, MedGen C4707243, MONDO:0019625.
Marfan syndrome (MFS). Also called: FBN1-Related Marfan Syndrome; Marfan syndrome type 1; Marfan's syndrome; Marfan syndrome, classic; MARFAN SYNDROME, TYPE I. Identifiers: Orphanet 284963, Orphanet 558, MedGen C0024796, MONDO:0007947, OMIM 154700.

Submission:

Labcorp Genetics (formerly Invitae), Labcorp
Classification: Uncertain significance for Marfan syndrome; Familial thoracic aortic aneurysm and aortic dissection. Last evaluated: 2020-04-07. Review status: criteria provided, single submitter. Criteria: Invitae Variant Classification Sherloc (09022015). Collection method: clinical testing. Allele origin: germline.
Comment: In summary, the available evidence is currently insufficient to determine the role of this variant in disease. Therefore, it has been classified as a Variant of Uncertain Significance. Algorithms developed to predict the effect of sequence changes on RNA splicing suggest that this variant may create or strengthen a splice site, but this prediction has not been confirmed by published transcriptional studies. Algorithms developed to predict the effect of missense changes on protein structure and function are either unavailable or do not agree on the potential impact of this missense change (SIFT: "Deleterious"; PolyPhen-2: "Probably Damaging"; Align-GVGD: "Class C0"). This variant is not present in population databases (ExAC no frequency). This sequence change replaces glutamic acid with valine at codon 1283 of the FBN1 protein (p.Glu1283Val). The glutamic acid residue is highly conserved and there is a moderate physicochemical difference between glutamic acid and valine.